The following is an entry in ClinVar:

ClinVar aggregate classification (germline): Likely benign. Review status: criteria provided, single submitter (1 of 4 stars). 2 submissions from 2 submitters: Likely benign (1). 1 of the submissions does not count toward it. Last evaluated 2024-01-04.

Conditions:
LRP2-related disorder. Also called: LRP2-related condition.

Allele frequency attached by ClinVar (database versions not stated): ExAC 0.00065.

Submissions (2):

Labcorp Genetics (formerly Invitae), Labcorp
Classification: Likely benign. Last evaluated: 2024-01-04. Review status: criteria provided, single submitter. Criteria: Invitae Variant Classification Sherloc (09022015). Collection method: clinical testing. Allele origin: germline.

PreventionGenetics, part of Exact Sciences
Classification: Likely benign for LRP2-related condition. Last evaluated: 2020-02-04. Review status: no assertion criteria provided. Collection method: clinical testing. Allele origin: germline. Not counted in ClinVar's aggregate classification.
Comment: This variant is classified as likely benign based on ACMG/AMP sequence variant interpretation guidelines (Richards et al. 2015 PMID: 25741868, with internal and published modifications).

NM_004525.3(LRP2):c.428-6C>A

Gene: LRP2 (LDL receptor related protein 2; minus strand). Cytogenetic location: 2q31.1.
Variant type: single nucleotide variant.
Coding change: c.428-6C>A on transcript NM_004525.3 (MANE Select); 6 bases into the intron before coding-DNA position 428, C replaced by A.
Molecular consequence: intron variant.
Genome position (GRCh38, 1-based): chr2:169,294,716, G>T on the plus strand (C>A on the coding strand, the complement: LRP2 is on the minus strand). VCF-style: chr2-169294716-G-T. GRCh37 (hg19) VCF-style: chr2-170151226-G-T.
Other names: c.428-6C>A (NM_004525.2).
Identifiers: ClinVar variation 2779479 (VCV002779479.5), dbSNP rs776561587, ClinGen allele CA1955865.